The following is an entry in ClinVar:

NM_004863.4(SPTLC2):c.562T>C (p.Cys188Arg)

Gene: SPTLC2 (serine palmitoyltransferase long chain base subunit 2; minus strand). Cytogenetic location: 14q24.3.
Variant type: single nucleotide variant.
Coding change: c.562T>C on transcript NM_004863.4 (MANE Select); coding-DNA position 562, T replaced by C.
Protein change: p.Cys188Arg; replaces cysteine 188 with arginine.
Molecular consequence: missense variant.
Genome position (GRCh38, 1-based): chr14:77,576,836, A>G on the plus strand (T>C on the coding strand, the complement: SPTLC2 is on the minus strand). VCF-style: chr14-77576836-A-G. GRCh37 (hg19) VCF-style: chr14-78043179-A-G.
Other names: short protein forms C188R.
Identifiers: ClinVar variation 2727300 (VCV002727300.4), dbSNP rs1236663997, ClinGen allele CA390699344.

ClinVar aggregate classification (germline): Uncertain significance. Review status: criteria provided, multiple submitters, no conflicts (2 of 4 stars). 2 submissions from 2 submitters: Uncertain significance (2). Last evaluated 2025-05-21.

Conditions:
Neuropathy, hereditary sensory and autonomic, type 1C. Also called: HSAN IC; HSN IC. Identifiers: Orphanet 36386, MedGen C3150896, MONDO:0013337, OMIM 613640.

Allele frequency attached by ClinVar (database versions not stated): gnomAD exomes below 0.00001; TOPMed below 0.00001; gnomAD 0.00001.
gnomAD v4.1: 7 of 1,614,108 alleles (0.00043%); highest among the groups gnomAD compares: Non-Finnish European, 0.00059%; no homozygotes.

Submissions (2):

GeneDx
Classification: Uncertain significance. Last evaluated: 2025-05-21. Review status: criteria provided, single submitter. Criteria: GeneDx Variant Classification Process June 2021. Collection method: clinical testing. Allele origin: germline. Affected: yes.
Comment: Not observed at significant frequency in large population cohorts (gnomAD); In silico analysis supports that this missense variant has a deleterious effect on protein structure/function; Has not been previously published as pathogenic or benign to our knowledge

Labcorp Genetics (formerly Invitae), Labcorp
Classification: Uncertain significance for Neuropathy, hereditary sensory and autonomic, type 1C. Last evaluated: 2024-02-19. Review status: criteria provided, single submitter. Criteria: Invitae Variant Classification Sherloc (09022015). Collection method: clinical testing. Allele origin: germline.
Comment: This sequence change replaces cysteine, which is neutral and slightly polar, with arginine, which is basic and polar, at codon 188 of the SPTLC2 protein (p.Cys188Arg). This variant is present in population databases (no rsID available, gnomAD 0.0009%). This variant has not been reported in the literature in individuals affected with SPTLC2-related conditions. Advanced modeling of protein sequence and biophysical properties (such as structural, functional, and spatial information, amino acid conservation, physicochemical variation, residue mobility, and thermodynamic stability) performed at Invitae indicates that this missense variant is not expected to disrupt SPTLC2 protein function with a negative predictive value of 80%. In summary, the available evidence is currently insufficient to determine the role of this variant in disease. Therefore, it has been classified as a Variant of Uncertain Significance.